The following is an entry in ClinVar:

ClinVar aggregate classification (germline): Likely benign (0 of 4 stars; one submission).

Conditions:
MUC16-related disorder. Also called: MUC16-related condition.

Allele frequency attached by ClinVar (database versions not stated): 1000 Genomes Project 30x 0.00078; 1000 Genomes Project 0.00100; ExAC 0.00270; TOPMed 0.00303; gnomAD 0.00305; ESP Exome Variant Server 0.00477; gnomAD exomes 0.00507.

Submission:

PreventionGenetics, part of Exact Sciences
Classification: Likely benign for MUC16-related condition. Last evaluated: 2019-02-21. Review status: no assertion criteria provided. Collection method: clinical testing. Allele origin: germline.
Comment: This variant is classified as likely benign based on ACMG/AMP sequence variant interpretation guidelines (Richards et al. 2015 PMID: 25741868, with internal and published modifications).

NM_001401501.2(MUC16):c.4952C>A (p.Thr1651Lys)

Gene: MUC16 (mucin 16, cell surface associated; minus strand). Cytogenetic location: 19p13.2.
Variant type: single nucleotide variant.
Coding change: c.4952C>A on transcript NM_001401501.2 (MANE Select); coding-DNA position 4952, C replaced by A.
Protein change: p.Thr1651Lys; replaces threonine 1651 with lysine.
Molecular consequence: missense variant.
Genome position (GRCh38, 1-based): chr19:8,976,307, G>T on the plus strand (C>A on the coding strand, the complement: MUC16 is on the minus strand). VCF-style: chr19-8976307-G-T. GRCh37 (hg19) VCF-style: chr19-9086983-G-T.
Other names: c.5378C>A, p.Thr1793Lys (NM_001414686.1); c.4832C>A, p.Thr1611Lys (NM_001414687.1, NM_024690.2); short protein forms T1611K, T1651K, T1793K.
Identifiers: ClinVar variation 3033870 (VCV003033870.2), dbSNP rs186319266, ClinGen allele CA9172743.